The following is an entry in ClinVar:

NM_000157.4(GBA1):c.517A>G (p.Thr173Ala)

Genes: GBA1 (glucosylceramidase beta 1; minus strand), LOC106627981 (GBA recombination region; plus strand). Cytogenetic location: 1q22.
Variant type: single nucleotide variant.
Coding change: c.517A>G on transcript NM_000157.4 (MANE Select); coding-DNA position 517, A replaced by G.
Protein change: p.Thr173Ala; replaces threonine 173 with alanine.
Molecular consequence: missense variant.
Genome position (GRCh38, 1-based): chr1:155,238,588, T>C on the plus strand (A>G on the coding strand, the complement: GBA1 is on the minus strand). VCF-style: chr1-155238588-T-C. GRCh37 (hg19) VCF-style: chr1-155208379-T-C.
Other names: c.517A>G, p.Thr173Ala (NM_001005741.3, NM_001005742.3); c.256A>G, p.Thr86Ala (NM_001171811.2); c.370A>G, p.Thr124Ala (NM_001171812.2); short protein forms T124A, T173A, T86A.
Identifiers: ClinVar variation 1799703 (VCV001799703.2), dbSNP rs1441909908, ClinGen allele CA342724314.

ClinVar aggregate classification (germline): Likely pathogenic (1 of 4 stars; one submission).

Submission:

Ambry Genetics
Classification: Likely pathogenic. Last evaluated: 2015-09-30. Review status: criteria provided, single submitter. Criteria: Ambry Variant Classification Scheme 2023. Collection method: clinical testing. Allele origin: germline.
Comment: The p.T173A variant (also known as c.517A>G and p.T134A), located in coding exon 5 of the GBA gene, results from an A to G substitution at nucleotide position 517. The threonine at codon 173 is replaced by alanine, an amino acid with a few similar properties. A different alteration, located at the same location, p.T173P, was shown to have 1% residual enzymatic activity in expression studies and has been detected on several alleles from individuals with Gaucher disease (Torralba MA, et al. Blood Cells Mol. Dis.;27(2):489-95; Alfonso P, et al. J. Hum. Genet. 2007 ; 52(5):391-6). This variant was not reported in population based cohorts in the following databases: Database of Single Nucleotide Polymorphisms (dbSNP), NHLBI Exome Sequencing Project (ESP), and 1000 Genomes Project. In the ESP, this variant was not observed in 6498 samples (12996 alleles) with coverage at this position. This amino acid position is highly conserved in available vertebrate species. In addition, the in silico prediction for this alteration is inconclusive. Based on the majority of available evidence to date, this variant is likely to be pathogenic.

Literature cited by the submitters: PubMed 11259172; PubMed 17427031.